The following is an entry in ClinVar:

NM_001384910.1(GUCA1A):c.124T>C (p.Phe42Leu)

Genes: GUCA1A (guanylate cyclase activator 1A; plus strand), GUCA1ANB-GUCA1A (GUCA1ANB-GUCA1A readthrough; plus strand). Cytogenetic location: 6p21.1.
Variant type: single nucleotide variant.
Coding change: c.124T>C on transcript NM_001384910.1 (MANE Select); coding-DNA position 124, T replaced by C.
Protein change: p.Phe42Leu; replaces phenylalanine 42 with leucine.
Molecular consequence: missense variant.
Genome position (GRCh38, 1-based): chr6:42,173,737, T>C. VCF-style: chr6-42173737-T-C. GRCh37 (hg19) VCF-style: chr6-42141475-T-C.
Other names: c.124T>C, p.Phe42Leu (NM_000409.5, NM_001319061.2, NM_001319062.2); short protein forms F42L.
Identifiers: ClinVar variation 841783 (VCV000841783.9), dbSNP rs202098005, ClinGen allele CA364105794.

ClinVar aggregate classification (germline): Uncertain significance (1 of 4 stars; one submission).

gnomAD v4.1: 3 of 1,614,024 alleles (0.00019%); highest among the groups gnomAD compares: Non-Finnish European, 0.00025%; no homozygotes.

Submission:

Labcorp Genetics (formerly Invitae), Labcorp
Classification: Uncertain significance. Last evaluated: 2022-02-01. Review status: criteria provided, single submitter. Criteria: Invitae Variant Classification Sherloc (09022015). Collection method: clinical testing. Allele origin: germline.
Comment: In summary, the available evidence is currently insufficient to determine the role of this variant in disease. Therefore, it has been classified as a Variant of Uncertain Significance. Algorithms developed to predict the effect of missense changes on protein structure and function output the following: SIFT: "Not Available"; PolyPhen-2: "Benign"; Align-GVGD: "Not Available". The leucine amino acid residue is found in multiple mammalian species, which suggests that this missense change does not adversely affect protein function. ClinVar contains an entry for this variant (Variation ID: 841783). This variant has not been reported in the literature in individuals affected with GUCA1A-related conditions. This variant is present in population databases (no rsID available, gnomAD 0.007%). This sequence change replaces phenylalanine, which is neutral and non-polar, with leucine, which is neutral and non-polar, at codon 42 of the GUCA1A protein (p.Phe42Leu).